The following is an entry in ClinVar:

ClinVar aggregate classification (germline): Conflicting classifications of pathogenicity. Review status: criteria provided, conflicting classifications (1 of 4 stars). 9 submissions from 9 submitters: Uncertain significance (6); Benign (1); Likely benign (1). 1 of the submissions does not count toward it. Last evaluated 2025-12-24.

Conditions:
Birt-Hogg-Dube syndrome 1 (BHD1). Also called: FIBROFOLLICULOMAS WITH TRICHODISCOMAS AND ACROCHORDONS. Identifiers: Orphanet 122, MedGen CN375946, MONDO:0800445, OMIM 135150.
FLCN-related disorder. Also called: FLCN-related condition.
Birt-Hogg-Dube syndrome. Also called: Birt Hogg Dubé syndrome. Identifiers: Orphanet 122, MedGen C0346010, MONDO:0800444.
Familial spontaneous pneumothorax (PSP). Identifiers: Orphanet 2903, MedGen C1868193, MONDO:0008259, OMIM 173600.
Colorectal cancer. Also called: Malignant Colorectal Neoplasm; Colorectal cancer, somatic. Identifiers: MedGen C0346629, MONDO:0005575, OMIM 114500.
Nonpapillary renal cell carcinoma. Identifiers: Orphanet 422526, MedGen CN074294, MONDO:0007763, OMIM 144700.
Hereditary cancer-predisposing syndrome. Also called: Neoplastic Syndromes, Hereditary; Hereditary Cancer Syndrome; Tumor predisposition; Hereditary neoplastic syndrome. Identifiers: Orphanet 140162, MedGen C0027672, MeSH D009386, MONDO:0015356.

Allele frequency attached by ClinVar (database versions not stated): ExAC 0.00004; gnomAD exomes 0.00003 and 0.00002; gnomAD 0.00002 and 0.00001; TOPMed 0.00002.
gnomAD v4.1: 35 of 1,614,026 alleles (0.0022%); highest among the groups gnomAD compares: Middle Eastern, 0.016%; no homozygotes.

Submissions (9):

Dasa
Classification: Uncertain significance for Birt-Hogg-Dube syndrome 1. Last evaluated: 2025-12-24. Review status: criteria provided, single submitter. Criteria: DASA Assertion Criteria. Collection method: clinical testing. Allele origin: germline.
Comment: NM_144997.7(FLCN):c.175C>T (p.Arg59Cys) is a missense variant that results in the substitution of arginine with cysteine. This variant is rare in population databases. The currently available literature and clinical evidence are not sufficient to establish a definitive association between this variant and the reported condition. Therefore, this variant is classified as a variant of uncertain significance.

Labcorp Genetics (formerly Invitae), Labcorp
Classification: Uncertain significance for Birt-Hogg-Dube syndrome. Last evaluated: 2025-12-14. Review status: criteria provided, single submitter. Criteria: Invitae Variant Classification Sherloc (09022015). Collection method: clinical testing. Allele origin: germline.
Comment: This sequence change replaces arginine, which is basic and polar, with cysteine, which is neutral and slightly polar, at codon 59 of the FLCN protein (p.Arg59Cys). This variant is present in population databases (rs778275358, gnomAD 0.01%). This variant has not been reported in the literature in individuals affected with FLCN-related conditions. ClinVar contains an entry for this variant (Variation ID: 529978). Invitae Evidence Modeling of protein sequence and biophysical properties (such as structural, functional, and spatial information, amino acid conservation, physicochemical variation, residue mobility, and thermodynamic stability) indicates that this missense variant is not expected to disrupt FLCN protein function with a negative predictive value of 80%. In summary, the available evidence is currently insufficient to determine the role of this variant in disease. Therefore, it has been classified as a Variant of Uncertain Significance.

GeneDx
Classification: Uncertain significance. Last evaluated: 2025-03-20. Review status: criteria provided, single submitter. Criteria: GeneDx Variant Classification Process June 2021. Collection method: clinical testing. Allele origin: germline.
Comment: In silico analysis indicates that this missense variant does not alter protein structure/function; This variant is associated with the following publications: (PMID: 30709382, 33332384)

Quest Diagnostics Nichols Institute San Juan Capistrano
Classification: Uncertain significance. Last evaluated: 2024-11-22. Review status: criteria provided, single submitter. Criteria: Quest Diagnostics criteria. Collection method: clinical testing. Allele origin: unknown.
Comment: The FLCN c.175C>T (p.Arg59Cys) variant has been reported in the published literature in individuals with colorectal cancer and bladder cancer (PMID: 30709382 (2019)), as well as a child with diffuse intrinsic pontine glioma (PMID: 33332384 (2020)). The frequency of this variant in the general population, 0.00013 (4/30614 chromosomes in South Asian subpopulation (Genome Aggregation Database)), is higher than would generally be expected for pathogenic variants in this gene. Analysis of this variant using bioinformatics tools for the prediction of the effect of amino acid changes on protein structure and function yielded predictions that this variant is benign. Based on the available information, we are unable to determine the clinical significance of this variant.

ARUP Laboratories, Molecular Genetics and Genomics, ARUP Laboratories
Classification: Uncertain significance. Last evaluated: 2024-09-03. Review status: criteria provided, single submitter. Criteria: ARUP Molecular Germline Variant Investigation Process 2024. Collection method: clinical testing. Allele origin: germline.
Comment: The FLCN c.175C>T; p.Arg59Cys variant (rs778275358), to our knowledge, is not reported in the medical literature but is reported in ClinVar (Variation ID: 529978). This variant is found in the South Asian population with an allele frequency of 0.013% (4/30,614 alleles) in the Genome Aggregation Database (v2.1.1). Computational analyses are uncertain whether this variant is neutral or deleterious (REVEL: 0.269). Due to limited information, the clinical significance of this variant is uncertain at this time.

Myriad Genetics, Inc.
Classification: Likely benign for Birt-Hogg-Dube syndrome 1. Last evaluated: 2024-08-09. Review status: criteria provided, single submitter. Criteria: Myriad Autosomal Dominant, Autosomal Recessive and X-Linked Classification Criteria (2023). Collection method: clinical testing. Allele origin: unknown.
Comment: This variant is considered likely benign. This variant has been observed at a population frequency that is significantly greater than expected given the associated disease prevalence and penetrance.

Fulgent Genetics
Classification: Uncertain significance for Colorectal cancer; Birt-Hogg-Dube syndrome 1; Nonpapillary renal cell carcinoma; Familial spontaneous pneumothorax. Last evaluated: 2024-01-06. Review status: criteria provided, single submitter. Criteria: ACMG Guidelines, 2015. Collection method: clinical testing. Allele origin: germline.

Ambry Genetics
Classification: Benign for Hereditary cancer-predisposing syndrome. Last evaluated: 2023-03-28. Review status: criteria provided, single submitter. Criteria: Ambry Variant Classification Scheme 2023. Collection method: clinical testing. Allele origin: germline.

PreventionGenetics, part of Exact Sciences
Classification: Uncertain significance for FLCN-related condition. Last evaluated: 2024-07-12. Review status: no assertion criteria provided. Collection method: clinical testing. Allele origin: germline. Not counted in ClinVar's aggregate classification.
Comment: The FLCN c.175C>T variant is predicted to result in the amino acid substitution p.Arg59Cys. To our knowledge, this variant has not been reported in the literature. This variant is reported in 0.013% of alleles in individuals of South Asian descent in gnomAD. This variant is interpreted as a variant of uncertain significance or likely benign in ClinVar. At this time, the clinical significance of this variant is uncertain due to the absence of conclusive functional and genetic evidence.

Literature cited by the submitters: PubMed 33332384 (cited by Quest Diagnostics Nichols Institute San Juan Capistrano); PubMed 30709382 (cited by Quest Diagnostics Nichols Institute San Juan Capistrano).

NM_144997.7(FLCN):c.175C>T (p.Arg59Cys)

Gene: FLCN (folliculin; minus strand). Cytogenetic location: 17p11.2.
Variant type: single nucleotide variant.
Coding change: c.175C>T on transcript NM_144997.7 (MANE Select); coding-DNA position 175, C replaced by T.
Protein change: p.Arg59Cys; replaces arginine 59 with cysteine.
Molecular consequence: missense variant.
Genome position (GRCh38, 1-based): chr17:17,227,963, G>A on the plus strand (C>T on the coding strand, the complement: FLCN is on the minus strand). VCF-style: chr17-17227963-G-A. GRCh37 (hg19) VCF-style: chr17-17131277-G-A.
Other names: c.175C>T (NM_144997.6, LRG_325t1); c.175C>T, p.Arg59Cys (NM_001353229.2, NM_001353230.2, NM_001353231.2 and 1 more transcripts); short protein forms R59C.
Identifiers: ClinVar variation 529978 (VCV000529978.24), dbSNP rs778275358, ClinGen allele CA8416508.
Genomic context (GRCh38, chr17:17,227,963, plus strand): 5'-ACTTTTTGGGCCCCGGGCTGCTGGACTCGACGCTGGCCCCCTCTGCGGGGCTGTGCGCAC[G>A]CATCCGACTGTTCATCTGAATGCCACCTTCCTCTTCTTCCGCCTGCTCACCCTGGCCAGG-3'
Protein context (NP_659434.2, residues 49-69): EGGIQMNSRM[Arg59Cys]AHSPAEGASV